The following is an entry in ClinVar:

NM_004715.5(CTDP1):c.2782G>A (p.Ala928Thr)

Gene: CTDP1 (CTD phosphatase subunit 1; plus strand). Cytogenetic location: 18q23.
Variant type: single nucleotide variant.
Coding change: c.2782G>A on transcript NM_004715.5 (MANE Select); coding-DNA position 2782, G replaced by A.
Protein change: p.Ala928Thr; replaces alanine 928 with threonine.
Molecular consequence: missense variant. On other transcripts: 3 prime UTR variant (2).
Genome position (GRCh38, 1-based): chr18:79,753,686, G>A. VCF-style: chr18-79753686-G-A. GRCh37 (hg19) VCF-style: chr18-77513686-G-A.
Other names: c.2425G>A, p.Ala809Thr (NM_001202504.1); c.*11G>A (NM_001318511.2); c.*15G>A (NM_048368.4); short protein forms A809T, A928T.
Identifiers: ClinVar variation 1163715 (VCV001163715.9), dbSNP rs541510090, ClinGen allele CA9010710.

ClinVar aggregate classification (germline): Uncertain significance. Review status: criteria provided, multiple submitters, no conflicts (2 of 4 stars). 3 submissions from 3 submitters: Uncertain significance (3). Last evaluated 2024-02-12.

Allele frequency attached by ClinVar (database versions not stated): ExAC 0.00002; TOPMed 0.00006; 1000 Genomes Project 30x 0.00016; gnomAD 0.00006; 1000 Genomes Project 0.00020; gnomAD exomes 0.00002.
gnomAD v4.1: 34 of 1,614,086 alleles (0.0021%); highest among the groups gnomAD compares: African/African-American, 0.019%; no homozygotes.

Submissions (3):

Ambry Genetics
Classification: Uncertain significance. Last evaluated: 2024-02-12. Review status: criteria provided, single submitter. Criteria: Ambry Variant Classification Scheme 2023. Collection method: clinical testing. Allele origin: germline.

Labcorp Genetics (formerly Invitae), Labcorp
Classification: Uncertain significance. Last evaluated: 2022-06-04. Review status: criteria provided, single submitter. Criteria: Invitae Variant Classification Sherloc (09022015). Collection method: clinical testing. Allele origin: germline.
Comment: This sequence change replaces alanine, which is neutral and non-polar, with threonine, which is neutral and polar, at codon 928 of the CTDP1 protein (p.Ala928Thr). This variant is present in population databases (rs541510090, gnomAD 0.02%). This variant has not been reported in the literature in individuals affected with CTDP1-related conditions. ClinVar contains an entry for this variant (Variation ID: 1163715). Algorithms developed to predict the effect of missense changes on protein structure and function are either unavailable or do not agree on the potential impact of this missense change (SIFT: "Tolerated"; PolyPhen-2: "Probably Damaging"; Align-GVGD: "Class C0"). In summary, the available evidence is currently insufficient to determine the role of this variant in disease. Therefore, it has been classified as a Variant of Uncertain Significance.

Mayo Clinic Laboratories, Mayo Clinic
Classification: Uncertain significance. Last evaluated: 2020-03-24. Review status: criteria provided, single submitter. Criteria: ACMG Guidelines, 2015. Collection method: clinical testing. Allele origin: germline. Observed: 1 variant allele.